The following is an entry in ClinVar:

ClinVar aggregate classification (germline): Uncertain significance (1 of 4 stars; one submission).

Conditions:
Encephalopathy, acute, infection-induced (herpes-specific), susceptibility to, 1. Also called: Herpes simplex encephalitis, susceptibility to, 1. Identifiers: Orphanet 1930, MedGen C2750180, MONDO:0024563, OMIM 610551.

Submission:

Labcorp Genetics (formerly Invitae), Labcorp
Classification: Uncertain significance for Encephalopathy, acute, infection-induced (herpes-specific), susceptibility to, 1. Last evaluated: 2021-01-11. Review status: criteria provided, single submitter. Criteria: Invitae Variant Classification Sherloc (09022015). Collection method: clinical testing. Allele origin: germline.
Comment: This sequence change replaces histidine with arginine at codon 265 of the UNC93B1 protein (p.His265Arg). The histidine residue is weakly conserved and there is a small physicochemical difference between histidine and arginine. This variant is not present in population databases (ExAC no frequency). This variant has not been reported in the literature in individuals with UNC93B1-related conditions. Experimental studies and prediction algorithms are not available or were not evaluated, and the functional significance of this variant is currently unknown. In summary, the available evidence is currently insufficient to determine the role of this variant in disease. Therefore, it has been classified as a Variant of Uncertain Significance.

NM_030930.4(UNC93B1):c.794A>G (p.His265Arg)

Gene: UNC93B1 (unc-93B1 regulator of TLR signaling; minus strand). Cytogenetic location: 11q13.2.
Variant type: single nucleotide variant.
Coding change: c.794A>G on transcript NM_030930.4 (MANE Select); coding-DNA position 794, A replaced by G.
Protein change: p.His265Arg; replaces histidine 265 with arginine.
Molecular consequence: missense variant.
Genome position (GRCh38, 1-based): chr11:67,997,787, T>C on the plus strand (A>G on the coding strand, the complement: UNC93B1 is on the minus strand). VCF-style: chr11-67997787-T-C. GRCh37 (hg19) VCF-style: chr11-67765257-T-C.
Other names: short protein forms H265R.
Identifiers: ClinVar variation 1364098 (VCV001364098.6), dbSNP rs2134362309, ClinGen allele CA381574015.
Genomic context (GRCh38, chr11:67,997,787, plus strand): 5'-AGGTTTCCGCTCCGCGGGAGCGTCCGCAGAACCGTCTTGTTGAAGCCGCTGAGGATCCCG[T>C]GGCTGTTGGTGCCTGGGAAGGGTGGGGGTGAGGGCACCGTGAGCAGAGAGTAGGGCACAC-3'
Protein context (NP_112192.2, residues 255-275): YNVQSCGTNS[His265Arg]GILSGFNKTV